The following is an entry in ClinVar:

ClinVar aggregate classification (germline): not provided (0 of 4 stars; one submission).

Allele frequency attached by ClinVar (database versions not stated): gnomAD 0.00001.
gnomAD v4.1: 1 of 1,301,076 alleles (0.000077%); highest among the groups gnomAD compares: East Asian, 0.0023%; no homozygotes.

Submission:

Human Evolutionary Genetics, Institut Pasteur
No classification provided. Review status: no classification provided. Collection method: not provided. Allele origin: germline.
ClinVar note: Converted during submission from untested to not provided.

NM_000246.4(CIITA):c.3150-77A>C

Gene: CIITA (class II major histocompatibility complex transactivator; plus strand). Cytogenetic location: 16p13.13.
Variant type: single nucleotide variant.
Coding change: c.3150-77A>C on transcript NM_000246.4 (MANE Select); 77 bases into the intron before coding-DNA position 3150, A replaced by C.
Molecular consequence: intron variant.
Genome position (GRCh38, 1-based): chr16:10,922,090, A>C. VCF-style: chr16-10922090-A-C. GRCh37 (hg19) VCF-style: chr16-11015947-A-C.
Other names: c.3153-77A>C (NM_001286402.1, NM_001379332.1); c.3006-77A>C (NM_001379330.1); c.3150-77A>C (NM_001379333.1); c.3003-77A>C (NM_001379331.1); c.1398-77A>C (NM_001286403.2); c.3081-77A>C (NM_001379334.1).
Identifiers: ClinVar variation 103005 (VCV000103005.2), dbSNP rs199476080, ClinGen allele CA229983.
Genomic context (GRCh38, chr16:10,922,090, plus strand): 5'-TGTTGTGCAATAAATATTGATTCCTTCCCCCAGGGATAGTGGGACCAGGCTTTTTCTGGA[A>C]TCTAGGGATGGTGGCTTCTGGAAGGCTGACCATGCACAGGCCTCCAATCCCTCCCCCTGG-3'